The following is an entry in ClinVar:

ClinVar aggregate classification (germline): Uncertain significance (1 of 4 stars; one submission).

Submission:

GeneDx
Classification: Uncertain significance. Last evaluated: 2020-10-19. Review status: criteria provided, single submitter. Criteria: GeneDx Variant Classification Process June 2021. Collection method: clinical testing. Allele origin: germline. Affected: yes.
Comment: Not observed in large population cohorts (Lek et al., 2016); In silico analysis supports that this missense variant has a deleterious effect on protein structure/function; Has not been previously published as pathogenic or benign to our knowledge

NM_001904.4(CTNNB1):c.2195A>C (p.Asp732Ala)

Gene: CTNNB1 (catenin beta 1; plus strand). Cytogenetic location: 3p22.1.
Variant type: single nucleotide variant.
Coding change: c.2195A>C on transcript NM_001904.4 (MANE Select); coding-DNA position 2195, A replaced by C.
Protein change: p.Asp732Ala; replaces aspartic acid 732 with alanine.
Molecular consequence: missense variant.
Genome position (GRCh38, 1-based): chr3:41,239,191, A>C. VCF-style: chr3-41239191-A-C. GRCh37 (hg19) VCF-style: chr3-41280682-A-C.
Other names: c.2195A>C, p.Asp732Ala (NM_001098209.2, NM_001098210.2); c.2174A>C, p.Asp725Ala (NM_001330729.2); short protein forms D725A, D732A.
Identifiers: ClinVar variation 1320371 (VCV001320371.2), dbSNP rs2125653320, ClinGen allele CA352237369.